The following is an entry in ClinVar:

ClinVar aggregate classification (germline): Conflicting classifications of pathogenicity. Review status: criteria provided, conflicting classifications (1 of 4 stars). 3 submissions from 3 submitters: Uncertain significance (2); Likely benign (1). Last evaluated 2025-11-03.

Allele frequency attached by ClinVar (database versions not stated): gnomAD 0.00005; TOPMed 0.00005.
gnomAD v4.1: 47 of 1,610,716 alleles (0.0029%); highest among the groups gnomAD compares: Admixed American, 0.015%; no homozygotes.

Submissions (3):

Labcorp Genetics (formerly Invitae), Labcorp
Classification: Uncertain significance. Last evaluated: 2025-11-03. Review status: criteria provided, single submitter. Criteria: Invitae Variant Classification Sherloc (09022015). Collection method: clinical testing. Allele origin: germline.
Comment: This sequence change replaces valine, which is neutral and non-polar, with methionine, which is neutral and non-polar, at codon 81 of the HNF4A protein (p.Val81Met). This variant is present in population databases (rs772786482, gnomAD 0.01%). This variant has not been reported in the literature in individuals affected with HNF4A-related conditions. ClinVar contains an entry for this variant (Variation ID: 1338363). Invitae Evidence Modeling of protein sequence and biophysical properties (such as structural, functional, and spatial information, amino acid conservation, physicochemical variation, residue mobility, and thermodynamic stability) has been performed for this missense variant. However, the output from this modeling did not meet the statistical confidence thresholds required to predict the impact of this variant on HNF4A protein function. In summary, the available evidence is currently insufficient to determine the role of this variant in disease. Therefore, it has been classified as a Variant of Uncertain Significance.

Women's Health and Genetics/Laboratory Corporation of America, LabCorp
Classification: Likely benign. Last evaluated: 2022-12-01. Review status: criteria provided, single submitter. Criteria: LabCorp Variant Classification Summary - May 2015. Collection method: clinical testing. Allele origin: germline.
Comment: Variant summary: HNF4A c.241G>A (p.Val81Met) results in a conservative amino acid change located in the Zinc finger, nuclear hormone receptor-type domain (IPR001628) of the encoded protein sequence. Three of four in-silico tools predict a damaging effect of the variant on protein function. The variant allele was found at a frequency of 4.5e-05 in 245864 control chromosomes (gnomAD). The observed variant frequency is approximately 14 fold of the estimated maximal expected allele frequency for a pathogenic variant in HNF4A causing Maturity Onset Diabetes Of The Young 1/Neonatal Diabetes Mellitus phenotype (3.1e-06), strongly suggesting that the variant is benign. c.241G>A has been reported in the literature in an individual affected with hyperinsulinemic hypoglycaemia, however authors classified the variant as VUS (example: Flanagan_2010). This report does not provide unequivocal conclusions about association of the variant with Maturity Onset Diabetes Of The Young 1/Neonatal Diabetes Mellitus. To our knowledge, no experimental evidence demonstrating an impact on protein function has been reported. One clinical diagnostic laboratory has submitted clinical-significance assessments for this variant to ClinVar after 2014 and classified the variant as uncertain significance. Based on the evidence outlined above, the variant was classified as likely benign.

Genetic Services Laboratory, University of Chicago
Classification: Uncertain significance. Last evaluated: 2018-02-09. Review status: criteria provided, single submitter. Criteria: ACMG Guidelines, 2015. Collection method: clinical testing. Allele origin: germline. Affected: no.

Literature cited by the submitters: PubMed 20164212 (cited by Women's Health and Genetics/Laboratory Corporation of America, LabCorp).

NM_175914.5(HNF4A):c.241G>A (p.Val81Met)

Gene: HNF4A (hepatocyte nuclear factor 4 alpha; plus strand). Cytogenetic location: 20q13.12.
Variant type: single nucleotide variant.
Coding change: c.241G>A on transcript NM_175914.5 (MANE Select); coding-DNA position 241, G replaced by A.
Protein change: p.Val81Met; replaces valine 81 with methionine.
Molecular consequence: missense variant.
Genome position (GRCh38, 1-based): chr20:44,407,397, G>A. VCF-style: chr20-44407397-G-A. GRCh37 (hg19) VCF-style: chr20-43036037-G-A.
Other names: c.307G>A, p.Val103Met (NM_000457.6, NM_178849.3, NM_178850.3); c.241G>A, p.Val81Met (NM_001030003.3, NM_001030004.3); c.286G>A, p.Val96Met (NM_001258355.2); c.232G>A, p.Val78Met (NM_001287182.2, NM_001287183.2, NM_001287184.2); short protein forms V103M, V78M, V81M, V96M.
Identifiers: ClinVar variation 1338363 (VCV001338363.8), dbSNP rs772786482, ClinGen allele CA9870204.